The following is an entry in ClinVar:

ClinVar aggregate classification (germline): Uncertain significance (1 of 4 stars; one submission).

Conditions:
Neuronal ceroid lipofuscinosis 7 (CLN7). Also called: MFSD8-Related Neuronal Ceroid-Lipofuscinosis. Identifiers: Orphanet 168491, Orphanet 228366, MedGen C1838571, MONDO:0012588, OMIM 610951.

Allele frequency attached by ClinVar (database versions not stated): ExAC 0.00002.
gnomAD v4.1: 8 of 1,614,220 alleles (0.0005%); highest among the groups gnomAD compares: South Asian, 0.0033%; no homozygotes.

Submission:

Labcorp Genetics (formerly Invitae), Labcorp
Classification: Uncertain significance for Neuronal ceroid lipofuscinosis 7. Last evaluated: 2022-10-03. Review status: criteria provided, single submitter. Criteria: Invitae Variant Classification Sherloc (09022015). Collection method: clinical testing. Allele origin: germline.
Comment: This sequence change replaces isoleucine, which is neutral and non-polar, with threonine, which is neutral and polar, at codon 403 of the MFSD8 protein (p.Ile403Thr). This variant is present in population databases (rs745633928, gnomAD 0.006%). This variant has not been reported in the literature in individuals affected with MFSD8-related conditions. Algorithms developed to predict the effect of missense changes on protein structure and function (SIFT, PolyPhen-2, Align-GVGD) all suggest that this variant is likely to be tolerated. In summary, the available evidence is currently insufficient to determine the role of this variant in disease. Therefore, it has been classified as a Variant of Uncertain Significance.

NM_001371596.2(MFSD8):c.1208T>C (p.Ile403Thr)

Gene: MFSD8 (major facilitator superfamily domain containing 8; minus strand). Cytogenetic location: 4q28.2.
Variant type: single nucleotide variant.
Coding change: c.1208T>C on transcript NM_001371596.2 (MANE Select); coding-DNA position 1208, T replaced by C.
Protein change: p.Ile403Thr; replaces isoleucine 403 with threonine.
Molecular consequence: missense variant.
Genome position (GRCh38, 1-based): chr4:127,921,666, A>G on the plus strand (T>C on the coding strand, the complement: MFSD8 is on the minus strand). VCF-style: chr4-127921666-A-G. GRCh37 (hg19) VCF-style: chr4-128842821-A-G.
Other names: c.1007T>C, p.Ile336Thr (NM_001363520.3); c.893T>C, p.Ile298Thr (NM_001363521.3); c.1073T>C, p.Ile358Thr (NM_001371590.2); c.1208T>C, p.Ile403Thr (NM_001371591.2, NM_152778.4); c.1214T>C, p.Ile405Thr (NM_001371592.2); c.1094T>C, p.Ile365Thr (NM_001371593.2); c.1061T>C, p.Ile354Thr (NM_001371594.2); c.926T>C, p.Ile309Thr (NM_001371595.1); and 2 more; short protein forms I253T, I309T, I358T, I354T, I403T, I405T, I298T, I365T.
Identifiers: ClinVar variation 2070526 (VCV002070526.1), dbSNP rs745633928, ClinGen allele CA3077268.